The following is an entry in ClinVar:

ClinVar aggregate classification (germline): Uncertain significance. Review status: criteria provided, multiple submitters, no conflicts (2 of 4 stars). 2 submissions from 2 submitters: Uncertain significance (2). Last evaluated 2025-12-22.

Conditions:
Cardiovascular phenotype. Identifiers: MedGen CN230736.
Brugada syndrome. Also called: Sudden Unexplained Death Syndrome; Sudden Unexplained Nocturnal Death Syndrome (SUNDS); Sudden unexplained nocturnal death syndrome; Sudden unexpected nocturnal death syndrome. Identifiers: Orphanet 130, MedGen C1142166, MONDO:0015263.

Allele frequency attached by ClinVar (database versions not stated): gnomAD 0.00001; TOPMed 0.00001.
gnomAD v4.1: 7 of 1,591,304 alleles (0.00044%); highest among the groups gnomAD compares: Middle Eastern, 0.017%; no homozygotes.

Submissions (2):

Labcorp Genetics (formerly Invitae), Labcorp
Classification: Uncertain significance for Brugada syndrome. Last evaluated: 2025-12-22. Review status: criteria provided, single submitter. Criteria: Invitae Variant Classification Sherloc (09022015). Collection method: clinical testing. Allele origin: germline.
Comment: This sequence change replaces isoleucine, which is neutral and non-polar, with valine, which is neutral and non-polar, at codon 1480 of the SCN10A protein (p.Ile1480Val). This variant is present in population databases (no rsID available, gnomAD 0.002%). This variant has not been reported in the literature in individuals affected with SCN10A-related conditions. ClinVar contains an entry for this variant (Variation ID: 937582). Invitae Evidence Modeling of protein sequence and biophysical properties (such as structural, functional, and spatial information, amino acid conservation, physicochemical variation, residue mobility, and thermodynamic stability) indicates that this missense variant is not expected to disrupt SCN10A protein function with a negative predictive value of 80%. In summary, the available evidence is currently insufficient to determine the role of this variant in disease. Therefore, it has been classified as a Variant of Uncertain Significance.

Ambry Genetics
Classification: Uncertain significance for Cardiovascular phenotype. Last evaluated: 2021-12-07. Review status: criteria provided, single submitter. Criteria: Ambry Variant Classification Scheme 2023. Collection method: clinical testing. Allele origin: germline.
Comment: The p.I1480V variant (also known as c.4438A>G), located in coding exon 26 of the SCN10A gene, results from an A to G substitution at nucleotide position 4438. The isoleucine at codon 1480 is replaced by valine, an amino acid with highly similar properties. This amino acid position is conserved. In addition, this alteration is predicted to be tolerated by in silico analysis. Since supporting evidence is limited at this time, the clinical significance of this alteration remains unclear.

NM_006514.4(SCN10A):c.4438A>G (p.Ile1480Val)

Gene: SCN10A (sodium voltage-gated channel alpha subunit 10; minus strand). Cytogenetic location: 3p22.2.
Variant type: single nucleotide variant.
Coding change: c.4438A>G on transcript NM_006514.4 (MANE Select); coding-DNA position 4438, A replaced by G.
Protein change: p.Ile1480Val; replaces isoleucine 1480 with valine.
Molecular consequence: missense variant.
Genome position (GRCh38, 1-based): chr3:38,702,058, T>C on the plus strand (A>G on the coding strand, the complement: SCN10A is on the minus strand). VCF-style: chr3-38702058-T-C. GRCh37 (hg19) VCF-style: chr3-38743549-T-C.
Other names: c.4435A>G, p.Ile1479Val (NM_001293306.2); c.4144A>G, p.Ile1382Val (NM_001293307.2); short protein forms I1382V, I1480V, I1479V.
Identifiers: ClinVar variation 937582 (VCV000937582.7), dbSNP rs1406169129, ClinGen allele CA352146977.